The following is an entry in ClinVar:

NM_014159.7(SETD2):c.1334G>T (p.Arg445Leu)

Gene: SETD2 (SET domain containing 2, histone lysine methyltransferase; minus strand). Cytogenetic location: 3p21.31.
Variant type: single nucleotide variant.
Coding change: c.1334G>T on transcript NM_014159.7 (MANE Select); coding-DNA position 1334, G replaced by T.
Protein change: p.Arg445Leu; replaces arginine 445 with leucine.
Molecular consequence: missense variant. On other transcripts: non-coding transcript variant (1).
Genome position (GRCh38, 1-based): chr3:47,123,302, C>A on the plus strand (G>T on the coding strand, the complement: SETD2 is on the minus strand). VCF-style: chr3-47123302-C-A. GRCh37 (hg19) VCF-style: chr3-47164792-C-A.
Other names: c.1202G>T, p.Arg401Leu (NM_001349370.3); short protein forms R445L, R401L.
Identifiers: ClinVar variation 570852 (VCV000570852.2), dbSNP rs935586454, ClinGen allele CA73811579.

ClinVar aggregate classification (germline): Uncertain significance. Review status: criteria provided, multiple submitters, no conflicts (2 of 4 stars). 2 submissions from 2 submitters: Uncertain significance (2). Last evaluated 2026-02-03.

Conditions:
Luscan-Lumish syndrome. Identifiers: Orphanet 597738, MedGen C4085873, MONDO:0014791, OMIM 616831.
Inborn genetic diseases. Identifiers: MedGen C0950123, MeSH D030342.

Allele frequency attached by ClinVar (database versions not stated): TOPMed 0.00001.
gnomAD v4.1: 4 of 1,551,606 alleles (0.00026%); highest among the groups gnomAD compares: African/African-American, 0.0014%; no homozygotes.

Submissions (2):

Ambry Genetics
Classification: Uncertain significance for Inborn genetic diseases. Last evaluated: 2026-02-03. Review status: criteria provided, single submitter. Criteria: Ambry Variant Classification Scheme 2023. Collection method: clinical testing. Allele origin: germline.
Comment: The c.1334G>T (p.R445L) alteration is located in exon 3 (coding exon 3) of the SETD2 gene. This alteration results from a G to T substitution at nucleotide position 1334, causing the arginine (R) at amino acid position 445 to be replaced by a leucine (L). Based on data from gnomAD, the T allele has an overall frequency of 0.001% (1/158152) total alleles studied. The highest observed frequency was 0.004% (1/22840) of South Asian alleles. Based on insufficient or conflicting evidence, the clinical significance of this alteration remains unclear.

Labcorp Genetics (formerly Invitae), Labcorp
Classification: Uncertain significance for Luscan-lumish syndrome. Last evaluated: 2018-05-02. Review status: criteria provided, single submitter. Criteria: Invitae Variant Classification Sherloc (09022015). Collection method: clinical testing. Allele origin: germline.
Comment: This sequence change replaces arginine with leucine at codon 445 of the SETD2 protein (p.Arg445Leu). The arginine residue is highly conserved and there is a moderate physicochemical difference between arginine and leucine. This variant is not present in population databases (ExAC no frequency). This variant has not been reported in the literature in individuals with SETD2-related disease. Algorithms developed to predict the effect of missense changes on protein structure and function do not agree on the potential impact of this missense change (SIFT: "Tolerated"; PolyPhen-2: "Probably Damaging"; Align-GVGD: "Class C0"). In summary, the available evidence is currently insufficient to determine the role of this variant in disease. Therefore, it has been classified as a Variant of Uncertain Significance.